The following is an entry in ClinVar:

ClinVar aggregate classification (germline): Uncertain significance (1 of 4 stars; one submission).

Allele frequency attached by ClinVar (database versions not stated): gnomAD exomes 0.00002; gnomAD 0.00001.
gnomAD v4.1: 5 of 1,472,964 alleles (0.00034%); highest among the groups gnomAD compares: Admixed American, 0.0026%; no homozygotes.

Submission:

Labcorp Genetics (formerly Invitae), Labcorp
Classification: Uncertain significance. Last evaluated: 2022-11-22. Review status: criteria provided, single submitter. Criteria: Invitae Variant Classification Sherloc (09022015). Collection method: clinical testing. Allele origin: germline.
Comment: In summary, the available evidence is currently insufficient to determine the role of this variant in disease. Therefore, it has been classified as a Variant of Uncertain Significance. Advanced modeling of protein sequence and biophysical properties (such as structural, functional, and spatial information, amino acid conservation, physicochemical variation, residue mobility, and thermodynamic stability) performed at Invitae indicates that this missense variant is not expected to disrupt CPLANE1 protein function. ClinVar contains an entry for this variant (Variation ID: 1438718). This variant has not been reported in the literature in individuals affected with CPLANE1-related conditions. The frequency data for this variant in the population databases is considered unreliable, as metrics indicate poor data quality at this position in the gnomAD database. This sequence change replaces valine, which is neutral and non-polar, with leucine, which is neutral and non-polar, at codon 282 of the CPLANE1 protein (p.Val282Leu).

NM_001384732.1(CPLANE1):c.844G>T (p.Val282Leu)

Gene: CPLANE1 (ciliogenesis and planar polarity effector complex subunit 1; minus strand). Cytogenetic location: 5p13.2.
Variant type: single nucleotide variant.
Coding change: c.844G>T on transcript NM_001384732.1 (MANE Select); coding-DNA position 844, G replaced by T.
Protein change: p.Val282Leu; replaces valine 282 with leucine.
Molecular consequence: missense variant.
Genome position (GRCh38, 1-based): chr5:37,238,951, C>A on the plus strand (G>T on the coding strand, the complement: CPLANE1 is on the minus strand). VCF-style: chr5-37238951-C-A. GRCh37 (hg19) VCF-style: chr5-37239053-C-A.
Other names: c.844G>T, p.Val282Leu (NM_023073.4); short protein forms V282L.
Identifiers: ClinVar variation 1438718 (VCV001438718.4), dbSNP rs1009393649, ClinGen allele CA359515125.
Genomic context (GRCh38, chr5:37,238,951, plus strand): 5'-TACTACATCCTTTAAGGCTACCACAGAGAGTAACAAAATTCAGTGTGTTTATAAATAATA[C>A]CTGAGTTGCCTAGAAAGGAAAAAAAAGACAAGAAAACTATTAAAATTATTTTACTGTAAC-3'
Protein context (NP_001371661.1, residues 272-292): LNQKDPKATQ[Val282Leu]LFINTLNFVT